The following is an entry in ClinVar:

NM_001197104.2(KMT2A):c.8837G>C (p.Ser2946Thr)

Gene: KMT2A (lysine methyltransferase 2A; plus strand). Cytogenetic location: 11q23.3.
Variant type: single nucleotide variant.
Coding change: c.8837G>C on transcript NM_001197104.2 (MANE Select); coding-DNA position 8837, G replaced by C.
Protein change: p.Ser2946Thr; replaces serine 2946 with threonine.
Molecular consequence: missense variant.
Genome position (GRCh38, 1-based): chr11:118,504,729, G>C. VCF-style: chr11-118504729-G-C. GRCh37 (hg19) VCF-style: chr11-118375444-G-C.
Other names: c.8927G>C, p.Ser2976Thr (NM_001412597.1); c.8828G>C, p.Ser2943Thr (NM_005933.4); short protein forms S2943T, S2946T, S2976T.
Identifiers: ClinVar variation 3776654 (VCV003776654.1).

ClinVar aggregate classification (germline): Uncertain significance (1 of 4 stars; one submission).

Submission:

GeneDx
Classification: Uncertain significance. Last evaluated: 2024-10-03. Review status: criteria provided, single submitter. Criteria: GeneDx Variant Classification Process June 2021. Collection method: clinical testing. Allele origin: germline. Affected: yes.
Comment: Not observed at significant frequency in large population cohorts (gnomAD); In silico analysis indicates that this missense variant does not alter protein structure/function; Has not been previously published as pathogenic or benign to our knowledge